The following is an entry in ClinVar:

ClinVar aggregate classification (germline): Uncertain significance. Review status: criteria provided, multiple submitters, no conflicts (2 of 4 stars). 2 submissions from 2 submitters: Uncertain significance (2). Last evaluated 2025-02-26.

Conditions:
Intellectual developmental disorder, X-linked, syndromic, Hedera type. Also called: Syndromic X-linked intellectual disability Hedera type. Identifiers: Orphanet 93952, MedGen C1845543, MONDO:0010319, OMIM 300423.

Allele frequency attached by ClinVar (database versions not stated): gnomAD 0.00001.
gnomAD v4.1: 1 of 1,207,385 alleles (0.000083%); highest among the groups gnomAD compares: African/African-American, 0.0018%; no homozygotes.

Submissions (2):

Labcorp Genetics (formerly Invitae), Labcorp
Classification: Uncertain significance for Intellectual developmental disorder, X-linked, syndromic, Hedera type. Last evaluated: 2025-02-26. Review status: criteria provided, single submitter. Criteria: Invitae Variant Classification Sherloc (09022015). Collection method: clinical testing. Allele origin: germline.
Comment: This sequence change replaces glycine, which is neutral and non-polar, with glutamic acid, which is acidic and polar, at codon 33 of the ATP6AP2 protein (p.Gly33Glu). This variant is not present in population databases (gnomAD no frequency). This variant has not been reported in the literature in individuals affected with ATP6AP2-related conditions. ClinVar contains an entry for this variant (Variation ID: 2911226). Invitae Evidence Modeling of protein sequence and biophysical properties (such as structural, functional, and spatial information, amino acid conservation, physicochemical variation, residue mobility, and thermodynamic stability) indicates that this missense variant is not expected to disrupt ATP6AP2 protein function with a negative predictive value of 80%. In summary, the available evidence is currently insufficient to determine the role of this variant in disease. Therefore, it has been classified as a Variant of Uncertain Significance.

Greenwood Genetic Center Diagnostic Laboratories, Greenwood Genetic Center
Classification: Uncertain significance. Last evaluated: 2024-06-03. Review status: criteria provided, single submitter. Criteria: ACMG Guidelines, 2015. Collection method: clinical testing. Allele origin: germline. Affected: yes.
Comment: PM2

NM_005765.3(ATP6AP2):c.98G>A (p.Gly33Glu)

Gene: ATP6AP2 (ATPase H+ transporting accessory protein 2; plus strand). Cytogenetic location: Xp11.4.
Variant type: single nucleotide variant.
Coding change: c.98G>A on transcript NM_005765.3 (MANE Select); coding-DNA position 98, G replaced by A.
Protein change: p.Gly33Glu; replaces glycine 33 with glutamic acid.
Molecular consequence: missense variant.
Genome position (GRCh38, 1-based): chrX:40,589,046, G>A. VCF-style: chrX-40589046-G-A. GRCh37 (hg19) VCF-style: chrX-40448298-G-A.
Other names: short protein forms G33E.
Identifiers: ClinVar variation 2911226 (VCV002911226.4), dbSNP rs1926553686, ClinGen allele CA412752443.